The following is an entry in ClinVar:

NM_000540.3(RYR1):c.73G>A (p.Ala25Thr)

Gene: RYR1 (ryanodine receptor 1; plus strand). Cytogenetic location: 19q13.2.
Variant type: single nucleotide variant.
Coding change: c.73G>A on transcript NM_000540.3 (MANE Select); coding-DNA position 73, G replaced by A.
Protein change: p.Ala25Thr; replaces alanine 25 with threonine.
Molecular consequence: missense variant.
Genome position (GRCh38, 1-based): chr19:38,440,772, G>A. VCF-style: chr19-38440772-G-A. GRCh37 (hg19) VCF-style: chr19-38931412-G-A.
Other names: c.73G>A, p.Ala25Thr (NM_001042723.2); short protein forms A25T.
Identifiers: ClinVar variation 3072600 (VCV003072600.1), dbSNP rs778758225, ClinGen allele CA069596.

ClinVar aggregate classification (germline): Uncertain significance (1 of 4 stars; one submission).

Conditions:
Malignant hyperthermia, susceptibility to, 1 (MHS1). Also called: Anesthesia related hyperthermia; Malignant hyperpyrexia; Fulminating hyperpyrexia; Pharmacogenic myopathy; RYR1-Related Malignant Hyperthermia Susceptibility; Malignant hyperthermia suceptibility 1. Identifiers: Orphanet 423, MedGen C2930980, MONDO:0007783, OMIM 145600.

Allele frequency attached by ClinVar (database versions not stated): TOPMed 0.00001.
gnomAD v4.1: 4 of 1,608,734 alleles (0.00025%); highest among the groups gnomAD compares: South Asian, 0.0011%; no homozygotes.

Submission:

All of Us Research Program, National Institutes of Health
Classification: Uncertain significance for Malignant hyperthermia, susceptibility to, 1. Last evaluated: 2023-08-08. Review status: criteria provided, single submitter. Criteria: ACMG Guidelines, 2015. Collection method: clinical testing. Allele origin: germline. Inheritance: Autosomal dominant inheritance. Observed: 1 variant allele, 1 heterozygote.
Comment: This missense variant replaces alanine with threonine at codon 25 of the RYR1 protein. Computational prediction is inconclusive regarding the impact of this variant on protein structure and function (internally defined REVEL score threshold 0.5 < inconclusive < 0.7, PMID: 27666373). To our knowledge, functional studies have not been reported for this variant. This variant has not been reported in individuals affected with RYR1-related disorders in the literature. This variant has been identified in 1/237938 chromosomes in the general population by the Genome Aggregation Database (gnomAD). The available evidence is insufficient to determine the role of this variant in disease conclusively. Therefore, this variant is classified as a Variant of Uncertain Significance.

This study involves interpretation of variants in research participants for the purpose of population health screening. Participant phenotype was not available at the time of variant classification. Additional details can be found in publication PMID: 35346344, PMCID: PMC8962531